The following is an entry in ClinVar:

ClinVar aggregate classification (germline): Benign (0 of 4 stars; one submission).

Conditions:
ARFGAP2-related disorder. Also called: ARFGAP2-related condition.

Allele frequency attached by ClinVar (database versions not stated): TOPMed 0.00010; gnomAD 0.00055; gnomAD exomes 0.00100; ExAC 0.00237; 1000 Genomes Project 0.00339; 1000 Genomes Project 30x 0.00344.
gnomAD v4.1: 1,555 of 1,613,536 alleles (0.096%); highest among the groups gnomAD compares: South Asian, 1.6%; 23 homozygotes.

Submission:

PreventionGenetics, part of Exact Sciences
Classification: Benign for ARFGAP2-related condition. Last evaluated: 2019-07-02. Review status: no assertion criteria provided. Collection method: clinical testing. Allele origin: germline.
Comment: This variant is classified as benign based on ACMG/AMP sequence variant interpretation guidelines (Richards et al. 2015 PMID: 25741868, with internal and published modifications).

NM_032389.6(ARFGAP2):c.674T>C (p.Leu225Pro)

Gene: ARFGAP2 (ARF GTPase activating protein 2; minus strand). Cytogenetic location: 11p11.2.
Variant type: single nucleotide variant.
Coding change: c.674T>C on transcript NM_032389.6 (MANE Select); coding-DNA position 674, T replaced by C.
Protein change: p.Leu225Pro; replaces leucine 225 with proline.
Molecular consequence: missense variant.
Genome position (GRCh38, 1-based): chr11:47,171,799, A>G on the plus strand (T>C on the coding strand, the complement: ARFGAP2 is on the minus strand). VCF-style: chr11-47171799-A-G. GRCh37 (hg19) VCF-style: chr11-47193350-A-G.
Other names: c.590T>C, p.Leu197Pro (NM_001242832.2); c.716T>C, p.Leu239Pro (NM_001410995.1); short protein forms L197P, L225P, L239P.
Identifiers: ClinVar variation 3042168 (VCV003042168.2), dbSNP rs575856978, ClinGen allele CA5971520.
Genomic context (GRCh38, chr11:47,171,799, plus strand): 5'-TCAATCTCACTGAAGCTCTGGCTGCTCACCTTCTGGGCCCCTAGGCCTTTCTTGGCACCC[A>G]GCTGGGAACAGAATCATGTAAGGGGCCTTCCCAATCACACTCTCCTCAGATCCCTCCCAG-3'
Protein context (NP_115765.2, residues 215-235): KKKPAAAKKG[Leu225Pro]GAKKGLGAQK